The following is an entry in ClinVar:

ClinVar aggregate classification (germline): Uncertain significance (1 of 4 stars; one submission).

Submission:

GeneDx
Classification: Uncertain significance. Last evaluated: 2025-04-30. Review status: criteria provided, single submitter. Criteria: GeneDx Variant Classification Process June 2021. Collection method: clinical testing. Allele origin: germline. Affected: yes.
Comment: Not observed at significant frequency in large population cohorts (gnomAD); Has not been previously published as pathogenic or benign to our knowledge; In silico analysis is inconclusive as to whether the variant alters gene splicing. In the absence of RNA/functional studies, the actual effect of this sequence change is unknown.

NM_004456.5(EZH2):c.1000-10_1000-7del

Gene: EZH2 (enhancer of zeste 2 polycomb repressive complex 2 subunit; minus strand). Cytogenetic location: 7q36.1.
Variant type: Deletion.
Coding change: c.1000-10_1000-7del on transcript NM_004456.5 (MANE Select); 10 bases into the intron before coding-DNA position 1000 through 7 bases into the intron before coding-DNA position 1000, 4 bases deleted (CATT; older notation c.1000-10_1000-7delCATT).
Molecular consequence: intron variant.
Genome position (GRCh38, 1-based): chr7:148,818,124-148,818,127, AATG deleted on the plus strand (CATT on the coding strand, the reverse complement: EZH2 is on the minus strand); deleting any 4 consecutive bases within chr7:148,818,124-148,818,129 gives the same sequence; the c. name uses the placement nearest the transcript's 3' end. VCF-style (leftmost placement, unchanged base first): chr7-148818123-AAATG-A. GRCh37 (hg19) VCF-style: chr7-148515215-AAATG-A.
Other names: c.958-10_958-7del (NM_001203248.2, NM_001203249.2); c.868-10_868-7del (NM_152998.3); c.985-10_985-7del (NM_001203247.2).
Identifiers: ClinVar variation 4527838 (VCV004527838.1).